The following is an entry in ClinVar:

ClinVar aggregate classification (germline): Likely benign. Review status: criteria provided, multiple submitters, no conflicts (2 of 4 stars). 5 submissions from 5 submitters: Likely benign (5). Last evaluated 2025-10-20.

Conditions:
Hereditary cancer-predisposing syndrome. Also called: Neoplastic Syndromes, Hereditary; Hereditary Cancer Syndrome; Tumor predisposition; Hereditary neoplastic syndrome. Identifiers: Orphanet 140162, MedGen C0027672, MeSH D009386, MONDO:0015356.
Ataxia-telangiectasia syndrome (AT). Also called: LOUIS-BAR SYNDROME; Cerebello-oculocutaneous telangiectasia; Immunodeficiency with ataxia telangiectasia; Ataxia-telangiectasia, complementation group D; AT, COMPLEMENTATION GROUP C; Ataxia-telangiectasia, complementation group E. Identifiers: Orphanet 100, MedGen C0004135, MONDO:0008840, OMIM 208900.
Familial cancer of breast. Also called: Hereditary breast cancer; BREAST CANCER, FAMILIAL; hereditary breast carcinoma. Identifiers: Orphanet 227535, MedGen C0346153, MONDO:0016419, OMIM 114480. Disease mechanism: loss of function.

Allele frequency attached by ClinVar (database versions not stated): gnomAD exomes 0.00001.
gnomAD v4.1: 16 of 1,609,430 alleles (0.00099%); highest among the groups gnomAD compares: African/African-American, 0.0013%; no homozygotes.

Submissions (5):

Labcorp Genetics (formerly Invitae), Labcorp
Classification: Likely benign for Ataxia-telangiectasia syndrome. Last evaluated: 2025-10-20. Review status: criteria provided, single submitter. Criteria: Invitae Variant Classification Sherloc (09022015). Collection method: clinical testing. Allele origin: germline.

Blueprint Genetics
Classification: Likely benign. Last evaluated: 2024-08-08. Review status: criteria provided, single submitter. Criteria: ACMG Guidelines, 2015. Collection method: clinical testing. Allele origin: germline.

Myriad Genetics, Inc.
Classification: Likely benign for Familial cancer of breast. Last evaluated: 2024-06-21. Review status: criteria provided, single submitter. Criteria: Myriad Autosomal Dominant, Autosomal Recessive and X-Linked Classification Criteria (2023). Collection method: clinical testing. Allele origin: unknown.
Comment: This variant is considered likely benign. This variant is intronic and is not expected to impact mRNA splicing.

Color Diagnostics, LLC DBA Color Health
Classification: Likely benign for Hereditary cancer-predisposing syndrome. Last evaluated: 2017-11-07. Review status: criteria provided, single submitter. Criteria: ACMG Guidelines, 2015. Collection method: clinical testing. Allele origin: germline.

GeneDx
Classification: Likely benign. Last evaluated: 2017-06-26. Review status: criteria provided, single submitter. Criteria: GeneDx Variant Classification (06012015). Collection method: clinical testing. Allele origin: germline. Affected: yes.
Comment: This variant is considered likely benign or benign based on one or more of the following criteria: it is a conservative change, it occurs at a poorly conserved position in the protein, it is predicted to be benign by multiple in silico algorithms, and/or has population frequency not consistent with disease.

NM_000051.4(ATM):c.8787-15T>C

Genes: ATM (ATM serine/threonine kinase; plus strand), C11orf65 (chromosome 11 open reading frame 65; minus strand). Cytogenetic location: 11q22.3.
Variant type: single nucleotide variant.
Coding change: c.8787-15T>C on transcript NM_000051.4 (MANE Select); 15 bases into the intron before coding-DNA position 8787, T replaced by C.
Molecular consequence: intron variant.
Genome position (GRCh38, 1-based): chr11:108,354,796, T>C. VCF-style: chr11-108354796-T-C. GRCh37 (hg19) VCF-style: chr11-108225523-T-C.
Other names: c.8787-15T>C (NM_001351834.2); c.640+31124A>G (NM_001330368.2); c.695-19504A>G (NM_001351110.2).
Identifiers: ClinVar variation 383936 (VCV000383936.13), dbSNP rs1057521788, ClinGen allele CA16606139.